The following is an entry in ClinVar:

ClinVar aggregate classification (germline): Pathogenic. Review status: criteria provided, multiple submitters, no conflicts (2 of 4 stars). 2 submissions from 2 submitters: Pathogenic (2). Last evaluated 2024-12-19.

Conditions:
Cardiovascular phenotype. Identifiers: MedGen CN230736.
Catecholaminergic polymorphic ventricular tachycardia 3. Identifiers: Orphanet 3286, MedGen C3151463, MONDO:0013529, OMIM 614021.

gnomAD v4.1: 3 of 1,596,902 alleles (0.00019%); highest among the groups gnomAD compares: Admixed American, 0.0053%; no homozygotes.

Submissions (2):

Ambry Genetics
Classification: Pathogenic for Cardiovascular phenotype. Last evaluated: 2024-12-19. Review status: criteria provided, single submitter. Criteria: Ambry Variant Classification Scheme 2023. Collection method: clinical testing. Allele origin: germline.
Comment: The p.C189* pathogenic mutation (also known as c.567T>A), located in coding exon 6 of the TECRL gene, results from a T to A substitution at nucleotide position 567. This changes the amino acid from a cysteine to a stop codon within coding exon 6. This variant is considered to be rare based on population cohorts in the Genome Aggregation Database (gnomAD). This alteration is expected to result in loss of function by premature protein truncation or nonsense-mediated mRNA decay. As such, this alteration is interpreted as a disease-causing mutation.

3billion
Classification: Pathogenic for Catecholaminergic polymorphic ventricular tachycardia 3. Last evaluated: 2024-06-13. Review status: criteria provided, single submitter. Criteria: ACMG Guidelines, 2015. Collection method: clinical testing. Allele origin: germline. Affected: yes.
Comment: The variant is observed at an extremely low frequency in the gnomAD v4.0.0 dataset (total allele frequency: <0.001%). Predicted Consequence/Location: Stop-gained (nonsense): predicted to result in a loss or disruption of normal protein function through nonsense-mediated decay (NMD) or protein truncation. Multiple pathogenic variants are reported downstream of the variant. Therefore, this variant is classified as Pathogenic according to the recommendation of ACMG/AMP guideline.

NM_001010874.5(TECRL):c.567T>A (p.Cys189Ter)

Gene: TECRL (trans-2,3-enoyl-CoA reductase like; minus strand). Cytogenetic location: 4q13.1.
Variant type: single nucleotide variant.
Coding change: c.567T>A on transcript NM_001010874.5 (MANE Select); coding-DNA position 567, T replaced by A.
Protein change: p.Cys189Ter; replaces cysteine 189 with a stop codon.
Molecular consequence: nonsense.
Genome position (GRCh38, 1-based): chr4:64,309,916, A>T on the plus strand (T>A on the coding strand, the complement: TECRL is on the minus strand). VCF-style: chr4-64309916-A-T. GRCh37 (hg19) VCF-style: chr4-65175634-A-T.
Other names: c.567T>A, p.Cys189Ter (NM_001363796.1); short protein forms C189*.
Identifiers: ClinVar variation 3805415 (VCV003805415.2).